The following is an entry in ClinVar:

NM_019842.4(KCNQ5):c.1343C>G (p.Pro448Arg)

Gene: KCNQ5 (potassium voltage-gated channel subfamily Q member 5; plus strand). Cytogenetic location: 6q13.
Variant type: single nucleotide variant.
Coding change: c.1343C>G on transcript NM_019842.4 (MANE Select); coding-DNA position 1343, C replaced by G.
Protein change: p.Pro448Arg; replaces proline 448 with arginine.
Molecular consequence: missense variant. On other transcripts: intron variant (1).
Genome position (GRCh38, 1-based): chr6:73,133,516, C>G. VCF-style: chr6-73133516-C-G. GRCh37 (hg19) VCF-style: chr6-73843239-C-G.
Other names: c.1316C>G, p.Pro439Arg (NM_001160130.2); c.1373C>G, p.Pro458Arg (NM_001160132.2); c.1400C>G, p.Pro467Arg (NM_001160133.2); c.1247+9004C>G (NM_001160134.2); short protein forms P448R, P458R, P439R, P467R.
Identifiers: ClinVar variation 3728347 (VCV003728347.2).

ClinVar aggregate classification (germline): Uncertain significance (1 of 4 stars; one submission).

gnomAD v4.1: 1 of 1,614,170 alleles (0.000062%); highest among the groups gnomAD compares: Non-Finnish European, 0.000085%; no homozygotes.

Submission:

Labcorp Genetics (formerly Invitae), Labcorp
Classification: Uncertain significance. Last evaluated: 2024-09-29. Review status: criteria provided, single submitter. Criteria: Invitae Variant Classification Sherloc (09022015). Collection method: clinical testing. Allele origin: germline.
Comment: This sequence change replaces proline, which is neutral and non-polar, with arginine, which is basic and polar, at codon 467 of the KCNQ5 protein (p.Pro467Arg). This variant is not present in population databases (gnomAD no frequency). This variant has not been reported in the literature in individuals affected with KCNQ5-related conditions. Invitae Evidence Modeling of protein sequence and biophysical properties (such as structural, functional, and spatial information, amino acid conservation, physicochemical variation, residue mobility, and thermodynamic stability) indicates that this missense variant is not expected to disrupt KCNQ5 protein function with a negative predictive value of 80%. In summary, the available evidence is currently insufficient to determine the role of this variant in disease. Therefore, it has been classified as a Variant of Uncertain Significance.